The following is an entry in ClinVar:

ClinVar aggregate classification (germline): Benign. Review status: reviewed by expert panel (3 of 4 stars). 15 submissions from 15 submitters: Benign (1). 14 of the submissions do not count toward it. Last evaluated 2017-06-29.

Conditions:
Hereditary cancer-predisposing syndrome. Also called: Tumor predisposition; Neoplastic Syndromes, Hereditary; Hereditary Cancer Syndrome; Hereditary neoplastic syndrome. Identifiers: Orphanet 140162, MedGen C0027672, MeSH D009386, MONDO:0015356.
Hereditary breast ovarian cancer syndrome. Also called: Hereditary breast and ovarian cancer syndrome (HBOC); Hereditary breast and ovarian cancer syndrome; Hereditary breast and ovarian cancer; Hereditary breast and/or ovarian cancer syndrome; Breast and ovarian cancer; BRCA1- and BRCA2-Associated Hereditary Breast and Ovarian Cancer. Identifiers: Orphanet 145, MedGen C0677776, MeSH D061325, MONDO:0003582. Disease mechanism: loss of function.
Breast-ovarian cancer, familial, susceptibility to, 1 (BROVCA1). Also called: OVARIAN CANCER, SUSCEPTIBILITY TO; BRCA1 Hereditary Breast and Ovarian Cancer. Identifiers: Orphanet 145, MedGen C2676676, MONDO:0011450, OMIM 604370. Disease mechanism: loss of function.
Familial cancer of breast. Also called: Hereditary breast cancer; hereditary breast carcinoma; BREAST CANCER, FAMILIAL. Identifiers: Orphanet 227535, MedGen C0346153, MONDO:0016419, OMIM 114480. Disease mechanism: loss of function.

Allele frequency attached by ClinVar (database versions not stated): ESP Exome Variant Server 0.00038; TOPMed 0.00041; 1000 Genomes Project 0.00060; 1000 Genomes Project 30x 0.00062.
gnomAD v4.1: 111 of 1,614,094 alleles (0.0069%); highest among the groups gnomAD compares: African/African-American, 0.12%; 1 homozygote.

Submissions (15):

Evidence-based Network for the Interpretation of Germline Mutant Alleles (ENIGMA)
Classification: Benign for Breast-ovarian cancer, familial, susceptibility to, 1. Last evaluated: 2017-06-29. Review status: reviewed by expert panel. Criteria: ENIGMA BRCA1/2 Classification Criteria (2017-06-29). Collection method: curation. Allele origin: germline.
Comment: Synonymous substitution variant, with low bioinformatic likelihood to alter mRNA splicing (splicing prior 0.02) and frequency 0.0015 (African), derived from ExAC (2014-12-17).

Labcorp Genetics (formerly Invitae), Labcorp
Classification: Benign for Hereditary breast ovarian cancer syndrome. Last evaluated: 2026-02-02. Review status: criteria provided, single submitter. Criteria: Invitae Variant Classification Sherloc (09022015). Collection method: clinical testing. Allele origin: germline. Not counted in ClinVar's aggregate classification.

Center for Genomic Medicine, Rigshospitalet, Copenhagen University Hospital
Classification: Benign. Last evaluated: 2025-03-04. Review status: criteria provided, single submitter. Criteria: ACMG Guidelines, 2015. Collection method: clinical testing. Allele origin: germline. Not counted in ClinVar's aggregate classification.

Blueprint Genetics
Classification: Likely benign. Last evaluated: 2022-07-25. Review status: criteria provided, single submitter. Criteria: ACMG Guidelines, 2015. Collection method: clinical testing. Allele origin: germline. Not counted in ClinVar's aggregate classification.

Sema4
Classification: Likely benign for Hereditary cancer-predisposing syndrome. Last evaluated: 2022-01-09. Review status: criteria provided, single submitter. Criteria: Sema4 Curation Guidelines. Collection method: curation. Allele origin: germline. Not counted in ClinVar's aggregate classification.

National Health Laboratory Service, Universitas Academic Hospital and University of the Free State
Classification: Benign for Hereditary breast ovarian cancer syndrome. Last evaluated: 2021-11-16. Review status: criteria provided, single submitter. Criteria: ACMG Guidelines, 2015. Collection method: clinical testing. Allele origin: germline. Affected: yes. Observed: 10 variant alleles. Not counted in ClinVar's aggregate classification.

Baylor Genetics
Classification: Benign for Familial cancer of breast. Last evaluated: 2017-02-23. Review status: criteria provided, single submitter. Criteria: ACMG Guidelines, 2015. Collection method: clinical testing. Allele origin: germline. Inheritance: Autosomal dominant inheritance. Affected: no. Not counted in ClinVar's aggregate classification.

Color Diagnostics, LLC DBA Color Health
Classification: Likely benign for Hereditary cancer-predisposing syndrome. Last evaluated: 2016-05-16. Review status: criteria provided, single submitter. Criteria: ACMG Guidelines, 2015. Collection method: clinical testing. Allele origin: germline. Not counted in ClinVar's aggregate classification.

Women's Health and Genetics/Laboratory Corporation of America, LabCorp
Classification: Benign. Last evaluated: 2016-03-16. Review status: criteria provided, single submitter. Criteria: LabCorp Variant Classification Summary - May 2015. Collection method: clinical testing. Allele origin: germline. Not counted in ClinVar's aggregate classification.
Comment: Variant summary: The c.2232T>C variant affects a non-conserved nucleotide, resulting in synonymous amino acid change. 5/5 splice-site tools via Alamut predict that this variant does not affect normal splicing. This variant was found in 17/121360 control chromosomes from the large and broad populations of ExAC at a frequency of 0.0001401. The variant was predominantly found in African sub-cohort with an allele frequency of 0.00153 (16/10398 chromosomes) which significantly exceeds the maximal expected frequency of a pathogenic allele (0.0010005) in this gene indicating that the variant is a benign polymorphism found in African population. The variant has been classified as a benign/likely benign by multiple clinical laboratories. Taken together, this variant has been classified as Benign.

Ambry Genetics
Classification: Likely benign for Hereditary cancer-predisposing syndrome. Last evaluated: 2014-06-03. Review status: criteria provided, single submitter. Criteria: Ambry Variant Classification Scheme 2023. Collection method: clinical testing. Allele origin: germline. Not counted in ClinVar's aggregate classification.

Counsyl
Classification: Likely benign for Breast-ovarian cancer, familial, susceptibility to, 1. Last evaluated: 2016-04-13. Review status: no assertion criteria provided. Collection method: clinical testing. Allele origin: unknown. Not counted in ClinVar's aggregate classification.

Breast Cancer Information Core (BIC) (BRCA1)
Classification: Uncertain significance for Breast-ovarian cancer, familial 1. Last evaluated: 1998-11-17. Review status: no assertion criteria provided. Collection method: clinical testing. Allele origin: germline. Affected: yes. Observed: 1 variant allele. Not counted in ClinVar's aggregate classification.

Clinical Genetics DNA and cytogenetics Diagnostics Lab, Erasmus MC, Erasmus Medical Center
Classification: Likely benign. Review status: no assertion criteria provided. Collection method: clinical testing. Allele origin: germline. Affected: yes. Study: VKGL Data-share Consensus. Not counted in ClinVar's aggregate classification.

Department of Pathology and Laboratory Medicine, Sinai Health System
Classification: Benign. Review status: no assertion criteria provided. Collection method: clinical testing. Allele origin: unknown. Affected: yes. Study: The Canadian Open Genetics Repository (COGR). Not counted in ClinVar's aggregate classification.
Comment: The p.Ala744Ala variant is not expected to have clinical significance because it does not alter an amino acid residue, is not located near a splice junction, and is also listed in the dbSNP database as coming from a "clinical source" (rs4986846) with a MAF score of 0.001, being identified in varying frequencies in various ethnic groups from the HapMap project. It was also reported in 2/111446 proband chromosomes of individuals from HBOC families, and classified as a polymorphism in the study by Myriad; although no control chromosomes were tested to establish the variantâ€šÃ„Ã´s frequency in the general population (Judkins_2005, Miolo_2009). In addition, the variant was also identified in the UMD (x2), Exome Server and BOCs databases. In summary, based on the above information, the variant is classified as benign.

Laboratory of Diagnostic Genome Analysis, Leiden University Medical Center (LUMC)
Classification: Benign. Review status: no assertion criteria provided. Collection method: clinical testing. Allele origin: germline. Affected: yes. Study: VKGL Data-share Consensus. Not counted in ClinVar's aggregate classification.

Literature cited by the submitters: DOI 10.3389/fgene.2022.834265 (cited by National Health Laboratory Service, Universitas Academic Hospital and University of the Free State); PubMed 16267036 (cited by Women's Health and Genetics/Laboratory Corporation of America, LabCorp); PubMed 19818148 (cited by Women's Health and Genetics/Laboratory Corporation of America, LabCorp).

NM_007294.4(BRCA1):c.2232T>C (p.Ala744=)

Gene: BRCA1 (BRCA1 DNA repair associated; minus strand). Cytogenetic location: 17q21.31.
Variant type: single nucleotide variant.
Coding change: c.2232T>C on transcript NM_007294.4 (MANE Select); coding-DNA position 2232, T replaced by C.
Protein change: p.Ala744=; no amino-acid change (alanine 744 retained).
Molecular consequence: synonymous variant. On other transcripts: intron variant (137).
Genome position (GRCh38, 1-based): chr17:43,093,299, A>G on the plus strand (T>C on the coding strand, the complement: BRCA1 is on the minus strand). VCF-style: chr17-43093299-A-G. GRCh37 (hg19) VCF-style: chr17-41245316-A-G.
Other names: 2351T/C; NP_009225.1:p.Ala744=; c.664+1445T>C (NM_001408428.1, NM_001408441.1, NM_001408437.1 and 12 more transcripts); c.671-2267T>C (NM_001408418.1, NM_001408423.1, NM_001408420.1 and 2 more transcripts); c.787+1445T>C (NM_001407981.1, NM_007298.4, NM_001407978.1 and 17 more transcripts); c.643+1445T>C (NM_001408462.1, NM_001408470.1, NM_001408464.1 and 3 more transcripts); c.709+1445T>C (NM_001408414.1, NM_001408411.1, NM_001408415.1 and 2 more transcripts); c.577+1445T>C (NM_001408514.1, NM_001408485.1, NM_001408483.1 and 9 more transcripts); and 43 more.
Identifiers: ClinVar variation 54508 (VCV000054508.41), dbSNP rs4986846, ClinGen allele CA001495.